The following is an entry in ClinVar:

NM_004519.4(KCNQ3):c.1947G>A (p.Arg649=)

Gene: KCNQ3 (potassium voltage-gated channel subfamily Q member 3; minus strand). Cytogenetic location: 8q24.22.
Variant type: single nucleotide variant.
Coding change: c.1947G>A on transcript NM_004519.4 (MANE Select); coding-DNA position 1947, G replaced by A.
Protein change: p.Arg649=; no amino-acid change (arginine 649 retained).
Molecular consequence: synonymous variant.
Genome position (GRCh38, 1-based): chr8:132,129,934, C>T on the plus strand (G>A on the coding strand, the complement: KCNQ3 is on the minus strand). VCF-style: chr8-132129934-C-T. GRCh37 (hg19) VCF-style: chr8-133142181-C-T.
Other names: p.R649R:CGG>CGA; c.1587G>A, p.Arg529= (NM_001204824.2).
Identifiers: ClinVar variation 138048 (VCV000138048.13), dbSNP rs142082768, ClinGen allele CA291841.

ClinVar aggregate classification (germline): Benign/Likely benign. Review status: criteria provided, multiple submitters, no conflicts (2 of 4 stars). 3 submissions from 3 submitters: Benign (1); Likely benign (2). Last evaluated 2026-01-20.

Conditions:
Benign neonatal seizures. Also called: Convulsions benign familial neonatal dominant form; Autosomal dominant form of benign neonatal seizures; Benign familial neonatal seizures; Benign neonatal familial convulsions; Benign familial neonatal epilepsy. Identifiers: Orphanet 1949, MedGen C0220669, MONDO:0016027.

Allele frequency attached by ClinVar (database versions not stated): gnomAD exomes 0.00002 and 0.00005; ExAC 0.00006; ESP Exome Variant Server 0.00008; gnomAD 0.00015 and 0.00016; TOPMed 0.00022; 1000 Genomes Project 0.00040; 1000 Genomes Project 30x 0.00047.
gnomAD v4.1: 49 of 1,614,178 alleles (0.003%); highest among the groups gnomAD compares: African/African-American, 0.057%; no homozygotes.

Submissions (3):

Labcorp Genetics (formerly Invitae), Labcorp
Classification: Likely benign for Benign neonatal seizures. Last evaluated: 2026-01-20. Review status: criteria provided, single submitter. Criteria: Invitae Variant Classification Sherloc (09022015). Collection method: clinical testing. Allele origin: germline.

Blueprint Genetics
Classification: Likely benign. Last evaluated: 2023-04-18. Review status: criteria provided, single submitter. Criteria: ACMG Guidelines, 2015. Collection method: clinical testing. Allele origin: germline.

GeneDx
Classification: Benign. Last evaluated: 2013-01-15. Review status: criteria provided, single submitter. Criteria: GeneDx Variant Classification (06012015). Collection method: clinical testing. Allele origin: germline. Affected: yes.
Comment: This variant is considered likely benign or benign based on one or more of the following criteria: it is a conservative change, it occurs at a poorly conserved position in the protein, it is predicted to be benign by multiple in silico algorithms, and/or has population frequency not consistent with disease.